The following is an entry in ClinVar:

NM_000414.4(HSD17B4):c.993A>G (p.Lys331=)

Gene: HSD17B4 (hydroxysteroid 17-beta dehydrogenase 4; plus strand). Cytogenetic location: 5q23.1.
Variant type: single nucleotide variant.
Coding change: c.993A>G on transcript NM_000414.4 (MANE Select); coding-DNA position 993, A replaced by G.
Protein change: p.Lys331=; no amino-acid change (lysine 331 retained).
Molecular consequence: synonymous variant. On other transcripts: non-coding transcript variant (2).
Genome position (GRCh38, 1-based): chr5:119,499,337, A>G. VCF-style: chr5-119499337-A-G. GRCh37 (hg19) VCF-style: chr5-118835032-A-G.
Other names: c.1068A>G, p.Lys356= (NM_001199291.3); c.939A>G, p.Lys313= (NM_001199292.2); c.921A>G, p.Lys307= (NM_001292027.2); c.573A>G, p.Lys191= (NM_001292028.2); c.984A>G, p.Lys328= (NM_001374497.1); c.993A>G, p.Lys331= (NM_001374498.1); c.666A>G, p.Lys222= (NM_001374499.1); c.552A>G, p.Lys184= (NM_001374500.1); and 1 more.
Identifiers: ClinVar variation 4998794 (VCV004998794.1).
Genomic context (GRCh38, chr5:119,499,337, plus strand): 5'-GTTATCAATGAAATAAATTACTTTTTAAAACTGTTCTTAGGCTGGAGCTATTGGCCAGAA[A>G]CTCCCTCCATTTTCTTATGCTTATACGGAACTGGAAGCTATTATGTATGCCCTTGGAGTG-3'
Protein context (NP_000405.1, residues 321-341): TSGFAGAIGQ[Lys331=]LPPFSYAYTE

ClinVar aggregate classification (germline): Likely benign (1 of 4 stars; one submission).

Conditions:
HSD17B4-related disorder. Also called: HSD17B4-related condition; HSD17B4-related disorders.

Submission:

PreventionGenetics, part of Exact Sciences
Classification: Likely benign for HSD17B4-related condition. Last evaluated: 2026-01-08. Review status: criteria provided, single submitter. Criteria: ACMG Guidelines, 2015. Collection method: clinical testing. Allele origin: germline.
Comment: This variant is classified as likely benign based on ACMG/AMP sequence variant interpretation guidelines (Richards et al. 2015 PMID: 25741868, with internal and published modifications).